The following is an entry in ClinVar:

ClinVar aggregate classification (germline): Uncertain significance (1 of 4 stars; one submission).

Conditions:
Fanconi anemia complementation group J. Also called: BRIP1-Related Fanconi Anemia. Identifiers: Orphanet 84, MedGen C1836860, MONDO:0012187, OMIM 609054.
Familial cancer of breast. Also called: BREAST CANCER, FAMILIAL; Hereditary breast cancer; hereditary breast carcinoma. Identifiers: Orphanet 227535, MedGen C0346153, MONDO:0016419, OMIM 114480. Disease mechanism: loss of function.

Submission:

Labcorp Genetics (formerly Invitae), Labcorp
Classification: Uncertain significance for Familial cancer of breast; Fanconi anemia complementation group J. Last evaluated: 2023-02-13. Review status: criteria provided, single submitter. Criteria: Invitae Variant Classification Sherloc (09022015). Collection method: clinical testing. Allele origin: germline.
Comment: This variant is not present in population databases (gnomAD no frequency). This sequence change replaces leucine, which is neutral and non-polar, with phenylalanine, which is neutral and non-polar, at codon 276 of the BRIP1 protein (p.Leu276Phe). This variant has not been reported in the literature in individuals affected with BRIP1-related conditions. In summary, the available evidence is currently insufficient to determine the role of this variant in disease. Therefore, it has been classified as a Variant of Uncertain Significance. Advanced modeling of protein sequence and biophysical properties (such as structural, functional, and spatial information, amino acid conservation, physicochemical variation, residue mobility, and thermodynamic stability) performed at Invitae indicates that this missense variant is expected to disrupt BRIP1 protein function.

NM_032043.3(BRIP1):c.826C>T (p.Leu276Phe)

Gene: BRIP1 (BRCA1 interacting DNA helicase 1; minus strand). Cytogenetic location: 17q23.2.
Variant type: single nucleotide variant.
Coding change: c.826C>T on transcript NM_032043.3 (MANE Select); coding-DNA position 826, C replaced by T.
Protein change: p.Leu276Phe; replaces leucine 276 with phenylalanine.
Molecular consequence: missense variant.
Genome position (GRCh38, 1-based): chr17:61,808,559, G>A on the plus strand (C>T on the coding strand, the complement: BRIP1 is on the minus strand). VCF-style: chr17-61808559-G-A. GRCh37 (hg19) VCF-style: chr17-59885920-G-A.
Other names: short protein forms L276F.
Identifiers: ClinVar variation 2944226 (VCV002944226.3), dbSNP rs2145414812, ClinGen allele CA400484834.